The following is an entry in ClinVar:

ClinVar aggregate classification (germline): Conflicting classifications of pathogenicity. Review status: criteria provided, conflicting classifications (1 of 4 stars). 2 submissions from 2 submitters: Likely pathogenic (1); Uncertain significance (1). Last evaluated 2026-08-28.

Conditions:
Primary dilated cardiomyopathy (DCM). Also called: Dilated Cardiomyopathy. Identifiers: Orphanet 217604, MedGen C0007193, MeSH D002311, MONDO:0005021, HP:0001644. Inheritance: Various modes of inheritance.
Incidental Discovery. Identifiers: MedGen C1135954.

gnomAD v4.1: 1 of 1,612,206 alleles (0.000062%); highest among the groups gnomAD compares: Non-Finnish European, 0.000085%; no homozygotes.

Submissions (2):

Clinical Genetics Laboratory, Skane University Hospital Lund
Classification: Uncertain significance for Incidental Discovery. Last evaluated: 2026-08-28. Review status: criteria provided, single submitter. Criteria: ACMG Guidelines, 2015. Collection method: clinical testing. Allele origin: germline. Inheritance: Autosomal dominant inheritance. Affected: no.
Comment: PVS1_moderate, PS1_supporting, PM2

Laboratory for Molecular Medicine, Mass General Brigham Personalized Medicine
Classification: Likely pathogenic for Primary dilated cardiomyopathy. Last evaluated: 2014-01-28. Review status: criteria provided, single submitter. Criteria: LMM Criteria. Collection method: clinical testing. Allele origin: germline. Inheritance: Autosomal dominant inheritance. Observed: 1 variant allele.
Comment: The 38191+1G>A variant in TTN has not been reported in individuals with cardiomy opathy or in large population studies. This variant occurs in the invariant regi on (+/- 1,2) of the splice consensus sequence and is predicted to cause altered splicing leading to an abnormal or absent protein. Splice and other truncating v ariants in TTN are strongly associated with DCM and the majority occur in the A- band (Herman 2012, LMM unpublished data), while this variant occurs in the I-ban d. In summary, this variant is likely pathogenic, though additional studies are required to fully establish its clinical significance.

NM_001267550.2(TTN):c.45895+1G>A

Gene: TTN (titin; minus strand). Cytogenetic location: 2q31.2.
Variant type: single nucleotide variant.
Coding change: c.45895+1G>A on transcript NM_001267550.2 (MANE Select); the canonical splice donor site of the intron after coding-DNA position 45895, G replaced by A.
Molecular consequence: splice donor variant.
Genome position (GRCh38, 1-based): chr2:178,620,714, C>T on the plus strand (G>A on the coding strand, the complement: TTN is on the minus strand). VCF-style: chr2-178620714-C-T. GRCh37 (hg19) VCF-style: chr2-179485441-C-T.
Other names: c.18700+1G>A (NM_003319.4); c.19276+1G>A (NM_133437.4); c.19075+1G>A (NM_133432.3); c.38191+1G>A (NM_133378.4); c.40972+1G>A (NM_001256850.1).
Identifiers: ClinVar variation 178984 (VCV000178984.6), dbSNP rs727504589, ClinGen allele CA273576.
Genomic context (GRCh38, chr2:178,620,714, plus strand): 5'-TTTAATTATTTTTATAACAGAAACTGATGAAAAAATCTCTAGTGGTATATAAATTACTTA[C>T]CTTCTACTATTAGATTGGCTGCACTTTTAACATTTTCACCTCTGTGATTGGTCAAAGACA-3'